The following is an entry in ClinVar:

ClinVar aggregate classification (germline): Pathogenic. Review status: criteria provided, multiple submitters, no conflicts (2 of 4 stars). 2 submissions from 2 submitters: Pathogenic (2). Last evaluated 2025-05-29.

Conditions:
Pigmentary pallidal degeneration (NBIA1). Also called: PKAN NEUROAXONAL DYSTROPHY, JUVENILE-ONSET; Pantothenate Kinase-Associated Neurodegeneration; Neuroaxonal dystrophy, late infantile; Hallervorden-Spatz disease; Neurodegeneration with brain iron accumulation 1; HARP SYNDROME. Identifiers: Orphanet 157850, MedGen C0018523, MONDO:0009319, OMIM 234200.

Submissions (2):

Women's Health and Genetics/Laboratory Corporation of America, LabCorp
Classification: Pathogenic for Pigmentary pallidal degeneration. Last evaluated: 2025-05-29. Review status: criteria provided, single submitter. Criteria: LabCorp Variant Classification Summary - May 2015. Collection method: clinical testing. Allele origin: germline.
Comment: Variant summary: PANK2 c.1420_1426delAACATGA (p.Asn474X) results in a premature termination codon, predicted to cause a truncation of the encoded protein or absence of the protein due to nonsense mediated decay, which are commonly known mechanisms for disease. The variant was absent in 251058 control chromosomes (gnomAD). To our knowledge, no occurrence of c.1420_1426delAACATGA in individuals affected with Pantothenate Kinase-Associated Neurodegeneration and no experimental evidence demonstrating its impact on protein function have been reported. ClinVar contains an entry for this variant (Variation ID: 2753178). Based on the evidence outlined above, the variant was classified as pathogenic.

Labcorp Genetics (formerly Invitae), Labcorp
Classification: Pathogenic for Pigmentary pallidal degeneration. Last evaluated: 2023-06-14. Review status: criteria provided, single submitter. Criteria: Invitae Variant Classification Sherloc (09022015). Collection method: clinical testing. Allele origin: germline.
Comment: This sequence change creates a premature translational stop signal (p.Asn474*) in the PANK2 gene. However, it is currently unclear if variants that occur in this region of the gene cause disease. This variant is not present in population databases (gnomAD no frequency). This premature translational stop signal has been observed in individual(s) with neurodegeneration with brain iron accumulation (PMID: 16437574). For these reasons, this variant has been classified as Pathogenic.

Literature cited by the submitters: PubMed 16437574 (cited by Labcorp Genetics (formerly Invitae), Labcorp).

NM_001386393.1(PANK2):c.1090_1096del (p.Gly363_Asn364insTer)

Gene: PANK2 (pantothenate kinase 2; plus strand). Cytogenetic location: 20p13.
Variant type: Deletion.
Coding change: c.1090_1096del on transcript NM_001386393.1 (MANE Select); coding-DNA positions 1090 to 1096, 7 bases deleted (AACATGA; older notation c.1090_1096delAACATGA).
Protein change: p.Gly363_Asn364insTer.
Molecular consequence: nonsense. On other transcripts: non-coding transcript variant (1).
Genome position (GRCh38, 1-based): chr20:3,916,934-3,916,940, AACATGA deleted; deleting any 7 consecutive bases within chr20:3,916,932-3,916,940 gives the same sequence; the c. name uses the placement nearest the transcript's 3' end. VCF-style (leftmost placement, unchanged base first): chr20-3916931-GGAAACAT-G. GRCh37 (hg19) VCF-style: chr20-3897578-GGAAACAT-G.
Other names: c.1420_1426delAACATGA (NM_153638.4); c.547_553del, p.Gly182_Asn183insTer (NM_001324191.2, NM_024960.6, NM_153640.4); c.112_118del, p.Gly37_Asn38insTer (NM_001324193.2); c.1420_1426del, p.Gly473_Asn474insTer (NM_153638.4).
Identifiers: ClinVar variation 2753178 (VCV002753178.4), dbSNP rs2090570190, ClinGen allele CA2346800333.